The following is an entry in ClinVar:

NM_000152.5(GAA):c.2404G>A (p.Gly802Arg)

Gene: GAA (alpha glucosidase; plus strand). Cytogenetic location: 17q25.3.
Variant type: single nucleotide variant.
Coding change: c.2404G>A on transcript NM_000152.5 (MANE Select); coding-DNA position 2404, G replaced by A.
Protein change: p.Gly802Arg; replaces glycine 802 with arginine.
Molecular consequence: missense variant.
Genome position (GRCh38, 1-based): chr17:80,117,672, G>A. VCF-style: chr17-80117672-G-A. GRCh37 (hg19) VCF-style: chr17-78091471-G-A.
Other names: c.2404G>A (LRG_673t1); c.2404G>A, p.Gly802Arg (NM_001079804.3, NM_001079803.3); short protein forms G802R.
Identifiers: ClinVar variation 285993 (VCV000285993.22), dbSNP rs148412962, ClinGen allele CA8815728.

ClinVar aggregate classification (germline): Uncertain significance. Review status: criteria provided, multiple submitters, no conflicts (2 of 4 stars). 8 submissions from 8 submitters: Uncertain significance (7). 1 of the submissions does not count toward it. Last evaluated 2024-02-22.

Conditions:
Glycogen storage disease, type II (IOPD). Also called: CARDIOMEGALIA GLYCOGENICA DIFFUSA; Glycogen storage disease type 2; Acid maltase deficiency disease; Aglucosidase alfa; Deficiency of alpha-glucosidase; Deficiency of lysosomal alpha-glucosidase. Identifiers: Orphanet 365, MedGen C0017921, MONDO:0009290, OMIM 232300.

Allele frequency attached by ClinVar (database versions not stated): gnomAD 0.00002; gnomAD exomes 0.00002 and 0.00006; TOPMed 0.00003; ESP Exome Variant Server 0.00008; ExAC 0.00015.
gnomAD v4.1: 32 of 1,612,584 alleles (0.002%); highest among the groups gnomAD compares: African/African-American, 0.0027%; no homozygotes.

Submissions (8):

Revvity Omics, Revvity
Classification: Uncertain significance. Last evaluated: 2024-02-22. Review status: criteria provided, single submitter. Criteria: ACMG Guidelines, 2015. Collection method: clinical testing. Allele origin: germline.

Labcorp Genetics (formerly Invitae), Labcorp
Classification: Uncertain significance for Glycogen storage disease, type II. Last evaluated: 2023-12-07. Review status: criteria provided, single submitter. Criteria: Invitae Variant Classification Sherloc (09022015). Collection method: clinical testing. Allele origin: germline.
Comment: This sequence change replaces glycine, which is neutral and non-polar, with arginine, which is basic and polar, at codon 802 of the GAA protein (p.Gly802Arg). This variant is present in population databases (rs148412962, gnomAD 0.01%). This variant has not been reported in the literature in individuals affected with GAA-related conditions. ClinVar contains an entry for this variant (Variation ID: 285993). Advanced modeling of protein sequence and biophysical properties (such as structural, functional, and spatial information, amino acid conservation, physicochemical variation, residue mobility, and thermodynamic stability) performed at Invitae indicates that this missense variant is expected to disrupt GAA protein function with a positive predictive value of 95%. In summary, the available evidence is currently insufficient to determine the role of this variant in disease. Therefore, it has been classified as a Variant of Uncertain Significance.

Blueprint Genetics
Classification: Uncertain significance. Last evaluated: 2023-04-13. Review status: criteria provided, single submitter. Criteria: ACMG Guidelines, 2015. Collection method: clinical testing. Allele origin: germline.

Fulgent Genetics
Classification: Uncertain significance for Glycogen storage disease, type II. Last evaluated: 2022-02-03. Review status: criteria provided, single submitter. Criteria: ACMG Guidelines, 2015. Collection method: clinical testing. Allele origin: unknown.

Genome-Nilou Lab
Classification: Uncertain significance for Glycogen storage disease, type II. Last evaluated: 2021-09-05. Review status: criteria provided, single submitter. Criteria: ACMG Guidelines, 2015. Collection method: clinical testing. Allele origin: germline. Affected: no.

Eurofins Ntd Llc (ga)
Classification: Uncertain significance. Last evaluated: 2016-01-25. Review status: criteria provided, single submitter. Criteria: EGL Classification Definitions 2015. Collection method: clinical testing. Allele origin: germline. Observed: 1 variant allele, 1 heterozygote.

Breakthrough Genomics
Classification: Uncertain significance. Review status: criteria provided, single submitter. Criteria: ACMG Guidelines, 2015. Collection method: not provided. Allele origin: germline. Inheritance: Autosomal recessive inheritance. Affected: yes.

Natera, Inc.
Classification: Uncertain significance for Glycogen storage disease type II. Last evaluated: 2020-08-25. Review status: no assertion criteria provided. Collection method: clinical testing. Allele origin: germline. Not counted in ClinVar's aggregate classification.